The following is an entry in ClinVar:

ClinVar aggregate classification (germline): Pathogenic (1 of 4 stars; one submission).

Conditions:
Neurofibromatosis, type 1 (NF1). Also called: Peripheral type neurofibromatosis; Neurofibromatosis, type I; NEUROFIBROMATOSIS, TYPE I, SOMATIC; VON RECKLINGHAUSEN DISEASE. Identifiers: Orphanet 636, MedGen C0027831, MONDO:0018975, OMIM 162200. Disease mechanism: loss of function.

Submission:

Labcorp Genetics (formerly Invitae), Labcorp
Classification: Pathogenic for Neurofibromatosis, type 1. Last evaluated: 2026-01-26. Review status: criteria provided, single submitter. Criteria: Invitae Variant Classification Sherloc (09022015). Collection method: clinical testing. Allele origin: germline.
Comment: This sequence change creates a premature translational stop signal (p.Tyr794*) in the NF1 gene. It is expected to result in an absent or disrupted protein product. Loss-of-function variants in NF1 are known to be pathogenic (PMID: 10712197, 23913538). This variant is not present in population databases (gnomAD no frequency). This premature translational stop signal has been observed in individual(s) with clinical features of neurofibromatosis type I (PMID: 32581362). ClinVar contains an entry for this variant (Variation ID: 1929503). For these reasons, this variant has been classified as Pathogenic.

Literature cited by the submitters: PubMed 10712197; PubMed 23913538; PubMed 32581362.

NM_001042492.3(NF1):c.2382T>G (p.Tyr794Ter)

Gene: NF1 (neurofibromin 1; plus strand). Cytogenetic location: 17q11.2.
Variant type: single nucleotide variant.
Coding change: c.2382T>G on transcript NM_001042492.3 (MANE Select); coding-DNA position 2382, T replaced by G.
Protein change: p.Tyr794Ter; replaces tyrosine 794 with a stop codon.
Molecular consequence: nonsense.
Genome position (GRCh38, 1-based): chr17:31,227,579, T>G. VCF-style: chr17-31227579-T-G. GRCh37 (hg19) VCF-style: chr17-29554597-T-G.
Other names: c.2382T>G, p.Tyr794Ter (NM_000267.4); short protein forms Y794*.
Identifiers: ClinVar variation 1929503 (VCV001929503.5), dbSNP rs2151427564, ClinGen allele CA398983226.
Genomic context (GRCh38, chr17:31,227,579, plus strand): 5'-TTAGGCTTGGGAAGATACACATGCAAAATGGGAACAAGCAACAAAGCTAATCCTTAACTA[T>G]CCAAAAGCCAAAATGGAAGATGGCCAGGTAAGTCTGTAAAGTTGACTTTTGTCTGTTAAC-3'